The following is an entry in ClinVar:

NM_022437.3(ABCG8):c.1780T>G (p.Ser594Ala)

Gene: ABCG8 (ATP binding cassette subfamily G member 8; plus strand). Cytogenetic location: 2p21.
Variant type: single nucleotide variant.
Coding change: c.1780T>G on transcript NM_022437.3 (MANE Select); coding-DNA position 1780, T replaced by G.
Protein change: p.Ser594Ala; replaces serine 594 with alanine.
Molecular consequence: missense variant.
Genome position (GRCh38, 1-based): chr2:43,877,584, T>G. VCF-style: chr2-43877584-T-G. GRCh37 (hg19) VCF-style: chr2-44104723-T-G.
Other names: c.1777T>G, p.Ser593Ala (NM_001357321.2); short protein forms S593A, S594A.
Identifiers: ClinVar variation 3227781 (VCV003227781.1), dbSNP rs2466291417, ClinGen allele CA346670794.

ClinVar aggregate classification (germline): Uncertain significance (1 of 4 stars; one submission).

Conditions:
Cardiovascular phenotype. Identifiers: MedGen CN230736.

Submission:

Ambry Genetics
Classification: Uncertain significance for Cardiovascular phenotype. Last evaluated: 2024-02-26. Review status: criteria provided, single submitter. Criteria: Ambry Variant Classification Scheme 2023. Collection method: clinical testing. Allele origin: germline.
Comment: The p.S594A variant (also known as c.1780T>G), located in coding exon 12 of the ABCG8 gene, results from a T to G substitution at nucleotide position 1780. The serine at codon 594 is replaced by alanine, an amino acid with similar properties. This amino acid position is conserved. In addition, the in silico prediction for this alteration is inconclusive. Based on the available evidence, the clinical significance of this alteration remains unclear.